The following is an entry in ClinVar:

ClinVar aggregate classification (germline): Uncertain significance (1 of 4 stars; one submission).

Allele frequency attached by ClinVar (database versions not stated): gnomAD 0.00005; gnomAD exomes 0.00005 and 0.00006; TOPMed 0.00005; ExAC 0.00006; ESP Exome Variant Server 0.00008.
gnomAD v4.1: 85 of 1,613,960 alleles (0.0053%); highest among the groups gnomAD compares: Admixed American, 0.018%; 1 homozygote.

Submission:

Labcorp Genetics (formerly Invitae), Labcorp
Classification: Uncertain significance. Last evaluated: 2022-11-01. Review status: criteria provided, single submitter. Criteria: Invitae Variant Classification Sherloc (09022015). Collection method: clinical testing. Allele origin: germline.
Comment: This sequence change replaces arginine, which is basic and polar, with histidine, which is basic and polar, at codon 52 of the MDH2 protein (p.Arg52His). This variant is present in population databases (rs144321556, gnomAD 0.02%), including at least one homozygous and/or hemizygous individual. This variant has not been reported in the literature in individuals affected with MDH2-related conditions. ClinVar contains an entry for this variant (Variation ID: 1362848). Advanced modeling of protein sequence and biophysical properties (such as structural, functional, and spatial information, amino acid conservation, physicochemical variation, residue mobility, and thermodynamic stability) performed at Invitae indicates that this missense variant is not expected to disrupt MDH2 protein function. In summary, the available evidence is currently insufficient to determine the role of this variant in disease. Therefore, it has been classified as a Variant of Uncertain Significance.

NM_005918.4(MDH2):c.155G>A (p.Arg52His)

Gene: MDH2 (malate dehydrogenase 2; plus strand). Cytogenetic location: 7q11.23.
Variant type: single nucleotide variant.
Coding change: c.155G>A on transcript NM_005918.4 (MANE Select); coding-DNA position 155, G replaced by A.
Protein change: p.Arg52His; replaces arginine 52 with histidine.
Molecular consequence: missense variant. On other transcripts: intron variant (1).
Genome position (GRCh38, 1-based): chr7:76,054,918, G>A. VCF-style: chr7-76054918-G-A. GRCh37 (hg19) VCF-style: chr7-75684236-G-A.
Other names: c.155G>A, p.Arg52His (NM_001282403.2); c.-86-2492G>A (NM_001282404.2); short protein forms R52H.
Identifiers: ClinVar variation 1362848 (VCV001362848.5), dbSNP rs144321556, ClinGen allele CA4305431.